The following is an entry in ClinVar:

ClinVar aggregate classification (germline): Uncertain significance (1 of 4 stars; one submission).

Submission:

Labcorp Genetics (formerly Invitae), Labcorp
Classification: Uncertain significance. Last evaluated: 2022-07-05. Review status: criteria provided, single submitter. Criteria: Invitae Variant Classification Sherloc (09022015). Collection method: clinical testing. Allele origin: germline.
Comment: This sequence change replaces lysine, which is basic and polar, with arginine, which is basic and polar, at codon 1285 of the SAMD9 protein (p.Lys1285Arg). This variant is not present in population databases (gnomAD no frequency). This variant has not been reported in the literature in individuals affected with SAMD9-related conditions. Algorithms developed to predict the effect of missense changes on protein structure and function (SIFT, PolyPhen-2, Align-GVGD) all suggest that this variant is likely to be tolerated. In summary, the available evidence is currently insufficient to determine the role of this variant in disease. Therefore, it has been classified as a Variant of Uncertain Significance.

NM_017654.4(SAMD9):c.3854A>G (p.Lys1285Arg)

Gene: SAMD9 (sterile alpha motif domain containing 9; minus strand). Cytogenetic location: 7q21.2.
Variant type: single nucleotide variant.
Coding change: c.3854A>G on transcript NM_017654.4 (MANE Select); coding-DNA position 3854, A replaced by G.
Protein change: p.Lys1285Arg; replaces lysine 1285 with arginine.
Molecular consequence: missense variant.
Genome position (GRCh38, 1-based): chr7:93,102,244, T>C on the plus strand (A>G on the coding strand, the complement: SAMD9 is on the minus strand). VCF-style: chr7-93102244-T-C. GRCh37 (hg19) VCF-style: chr7-92731557-T-C.
Other names: c.3854A>G, p.Lys1285Arg (NM_001193307.2); short protein forms K1285R.
Identifiers: ClinVar variation 2072733 (VCV002072733.1), dbSNP rs1584251963, ClinGen allele CA368182170.